The following is an entry in ClinVar:

NM_001347721.2(DYRK1A):c.382A>G (p.Asn128Asp)

Gene: DYRK1A (dual specificity tyrosine phosphorylation regulated kinase 1A; plus strand). Cytogenetic location: 21q22.13.
Variant type: single nucleotide variant.
Coding change: c.382A>G on transcript NM_001347721.2 (MANE Select); coding-DNA position 382, A replaced by G.
Protein change: p.Asn128Asp; replaces asparagine 128 with aspartic acid.
Molecular consequence: missense variant.
Genome position (GRCh38, 1-based): chr21:37,480,719, A>G. VCF-style: chr21-37480719-A-G. GRCh37 (hg19) VCF-style: chr21-38853021-A-G.
Other names: c.382A>G, p.Asn128Asp (NM_001347722.2, NM_130436.2); c.295A>G, p.Asn99Asp (NM_001347723.2); c.409A>G, p.Asn137Asp (NM_001396.5, NM_101395.2, NM_130438.2); short protein forms N128D, N137D, N99D.
Identifiers: ClinVar variation 1000762 (VCV001000762.9), dbSNP rs2052608605, ClinGen allele CA409944258.

ClinVar aggregate classification (germline): Uncertain significance (1 of 4 stars; one submission).

Conditions:
DYRK1A-related intellectual disability syndrome (MRD7). Also called: Intellectual developmental disorder, autosomal dominant 7; DYRK1A Syndrome. Identifiers: Orphanet 464306, MedGen C5568143, MONDO:0013578, OMIM 614104.

Allele frequency attached by ClinVar (database versions not stated): gnomAD 0.00001.
gnomAD v4.1: 1 of 1,613,194 alleles (0.000062%); highest among the groups gnomAD compares: African/African-American, 0.0013%; no homozygotes.

Submission:

Labcorp Genetics (formerly Invitae), Labcorp
Classification: Uncertain significance for DYRK1A-related intellectual disability syndrome. Last evaluated: 2020-06-12. Review status: criteria provided, single submitter. Criteria: Invitae Variant Classification Sherloc (09022015). Collection method: clinical testing. Allele origin: germline.
Comment: This sequence change replaces asparagine with aspartic acid at codon 137 of the DYRK1A protein (p.Asn137Asp). The asparagine residue is highly conserved and there is a small physicochemical difference between asparagine and aspartic acid. This variant is not present in population databases (ExAC no frequency). This variant has not been reported in the literature in individuals with DYRK1A-related conditions. Algorithms developed to predict the effect of missense changes on protein structure and function are either unavailable or do not agree on the potential impact of this missense change (SIFT: "Deleterious"; PolyPhen-2: "Probably Damaging"; Align-GVGD: "Class C0"). In summary, the available evidence is currently insufficient to determine the role of this variant in disease. Therefore, it has been classified as a Variant of Uncertain Significance.